The following is an entry in ClinVar:

ClinVar aggregate classification (germline): Conflicting classifications of pathogenicity. Review status: criteria provided, conflicting classifications (1 of 4 stars). 7 submissions from 7 submitters: Uncertain significance (5); Likely benign (2). Last evaluated 2024-10-07.

Conditions:
Hereditary cancer-predisposing syndrome. Also called: Hereditary Cancer Syndrome; Tumor predisposition; Hereditary neoplastic syndrome; Neoplastic Syndromes, Hereditary. Identifiers: Orphanet 140162, MedGen C0027672, MeSH D009386, MONDO:0015356.
Tuberous sclerosis syndrome (TSC). Also called: Tuberous sclerosis; Tuberous Sclerosis Complex. Identifiers: Orphanet 805, MedGen C0041341, MONDO:0001734.
Tuberous sclerosis 1 (TSC1). Identifiers: Orphanet 805, MedGen C1854465, MONDO:0008612, OMIM 191100.

Allele frequency attached by ClinVar (database versions not stated): gnomAD 0.00001.
gnomAD v4.1: 11 of 1,613,470 alleles (0.00068%); highest among the groups gnomAD compares: South Asian, 0.0066%; no homozygotes.

Submissions (7):

Labcorp Genetics (formerly Invitae), Labcorp
Classification: Uncertain significance for Tuberous sclerosis 1. Last evaluated: 2024-10-07. Review status: criteria provided, single submitter. Criteria: Invitae Variant Classification Sherloc (09022015). Collection method: clinical testing. Allele origin: germline.
Comment: This sequence change replaces glycine, which is neutral and non-polar, with arginine, which is basic and polar, at codon 999 of the TSC1 protein (p.Gly999Arg). This variant is present in population databases (rs780224196, gnomAD 0.01%). This variant has not been reported in the literature in individuals affected with TSC1-related conditions. ClinVar contains an entry for this variant (Variation ID: 207637). Invitae Evidence Modeling of protein sequence and biophysical properties (such as structural, functional, and spatial information, amino acid conservation, physicochemical variation, residue mobility, and thermodynamic stability) indicates that this missense variant is not expected to disrupt TSC1 protein function with a negative predictive value of 95%. In summary, the available evidence is currently insufficient to determine the role of this variant in disease. Therefore, it has been classified as a Variant of Uncertain Significance.

Myriad Genetics, Inc.
Classification: Likely benign for Tuberous sclerosis 1. Last evaluated: 2024-08-14. Review status: criteria provided, single submitter. Criteria: Myriad Autosomal Dominant, Autosomal Recessive and X-Linked Classification Criteria (2023). Collection method: clinical testing. Allele origin: unknown.
Comment: This variant is considered likely benign. This variant has been observed at a population frequency that is significantly greater than expected given the associated disease prevalence and penetrance.

Color Diagnostics, LLC DBA Color Health
Classification: Uncertain significance for Tuberous sclerosis syndrome. Last evaluated: 2023-09-19. Review status: criteria provided, single submitter. Criteria: ACMG Guidelines, 2015. Collection method: clinical testing. Allele origin: germline.
Comment: This missense variant replaces glycine with arginine at codon 999 of the TSC1 protein. Computational prediction suggests that this variant may not impact protein structure and function (internally defined REVEL score threshold <= 0.5, PMID: 27666373). To our knowledge, functional studies have not been reported for this variant. This variant has not been reported in individuals affected with TSC1-related disorders in the literature. This variant has been identified in 6/278648 chromosomes in the general population by the Genome Aggregation Database (gnomAD). The available evidence is insufficient to determine the role of this variant in disease conclusively. Therefore, this variant is classified as a Variant of Uncertain Significance.

Genome-Nilou Lab
Classification: Uncertain significance for Tuberous sclerosis 1. Last evaluated: 2021-11-07. Review status: criteria provided, single submitter. Criteria: ACMG Guidelines, 2015. Collection method: clinical testing. Allele origin: germline. Affected: no.

Ambry Genetics
Classification: Likely benign for Hereditary cancer-predisposing syndrome. Last evaluated: 2021-05-13. Review status: criteria provided, single submitter. Criteria: Ambry Variant Classification Scheme 2023. Collection method: clinical testing. Allele origin: germline.

Eurofins Ntd Llc (ga)
Classification: Uncertain significance. Last evaluated: 2017-01-16. Review status: criteria provided, single submitter. Criteria: EGL Classification Definitions 2015. Collection method: clinical testing. Allele origin: germline. Observed: 1 variant allele, 1 heterozygote.

GeneDx
Classification: Uncertain significance. Last evaluated: 2014-02-04. Review status: criteria provided, single submitter. Criteria: GeneDx Variant Classification (06012015). Collection method: clinical testing. Allele origin: germline. Affected: yes.
Comment: p.Gly999Arg (GGG>AGG): c.2995 G>A in exon 23 of the TSC1 gene (NM_000368.4). The Gly999Arg missense change has not been published as a mutation, nor has it been reported as a benign polymorphism to our knowledge. It was not observed in approximately 6,500 individuals of European and African American ancestry in the NHLBI Exome Sequencing Project, indicating it is not a common benign variant in these populations. This variant is a non-conservative amino acid substitution of an uncharged, non-polar Glycine residue with a positively charged, polar Arginine residue at a position that is conserved in the hamartin protein. In silico analysis is inconsistent with regard to the effect this variant may have on the protein structure/function. Additionally, the vast majority of TSC1 mutations result in protein truncation, while missense mutations have been reported only rarely (Northrup et al., 2011; Au et al., 2007). Therefore, based on the currently available information, it is unclear whether Gly999Arg is a disease-causing mutation or a rare benign variant. The variant is found in EPILEPSY panel(s).

NM_000368.5(TSC1):c.2995G>A (p.Gly999Arg)

Gene: TSC1 (TSC complex subunit 1; minus strand). Cytogenetic location: 9q34.13.
Variant type: single nucleotide variant.
Coding change: c.2995G>A on transcript NM_000368.5 (MANE Select); coding-DNA position 2995, G replaced by A.
Protein change: p.Gly999Arg; replaces glycine 999 with arginine.
Molecular consequence: missense variant.
Genome position (GRCh38, 1-based): chr9:132,896,735, C>T on the plus strand (G>A on the coding strand, the complement: TSC1 is on the minus strand). VCF-style: chr9-132896735-C-T. GRCh37 (hg19) VCF-style: chr9-135772122-C-T.
Other names: p.G999R:GGG>AGG; c.2992G>A, p.Gly998Arg (NM_001162426.2); c.2842G>A, p.Gly948Arg (NM_001162427.2); c.2632G>A, p.Gly878Arg (NM_001362177.2); short protein forms G999R, G948R, G998R, G878R.
Identifiers: ClinVar variation 207637 (VCV000207637.19), dbSNP rs780224196, ClinGen allele CA035493.